The following is an entry in ClinVar:

NC_000005.10:g.55247753A>G

Genes: CCNO-DT (CCNO divergent transcript; plus strand), IL6ST (interleukin 6 cytokine family signal transducer; minus strand). Cytogenetic location: 5q11.2.
Variant type: single nucleotide variant.
Genome position: GRCh38 VCF-style: chr5-55247753-A-G. GRCh37 (hg19) VCF-style: chr5-54543581-A-G.
Other names: GP130.
Identifiers: ClinVar variation 638017 (VCV000638017.4), dbSNP rs1579734448, ClinGen allele CA915943349.
Genomic context (GRCh38, chr5:55,247,753, plus strand): 5'-AAAACAAAGAGGGCAGCAATTAGTATCTTCAGACTATGGTAAGATAAACCCCTGTTCCAA[A>G]TGTAAAGCAAAGCCGTCCTATTGAAAAGCAACAAAAAGGAAGGCTGAAGGGCAGCACACA-3'

ClinVar aggregate classification (germline): Pathogenic (0 of 4 stars; one submission).

Conditions:
Stuve-Wiedemann syndrome (STWS). Also called: Stüve-Wiedemann syndrome. Identifiers: Orphanet 3206, MedGen C0796176, MONDO:0031280.

Submission:

Rare Disease Group, Clinical Genetics, Karolinska Institutet
Classification: Pathogenic for Stüve-Wiedemann syndrome 1. Last evaluated: 2019-06-24. Review status: no assertion criteria provided. Collection method: research. Allele origin: inherited. Inheritance: Autosomal recessive inheritance. Affected: yes. Observed: 1 homozygote.
Comment: This homozygous variant was found in two siblings. Sequencing of cDNA from affected patient shows that this c.1699+4A>G (NC_000005.10:g.55247753A>G) variant disrupts splicing, leading to skipping of exon 13 and functional studies show disruption of normal protein function. In summary, the c.1699+4A>G variant meets our criteria to be classified as pathogenic.